The following is an entry in ClinVar:

ClinVar aggregate classification (germline): Uncertain significance. Review status: criteria provided, multiple submitters, no conflicts (2 of 4 stars). 2 submissions from 2 submitters: Uncertain significance (2). Last evaluated 2025-12-02.

Conditions:
Hereditary cancer-predisposing syndrome. Also called: Hereditary Cancer Syndrome; Tumor predisposition; Hereditary neoplastic syndrome; Neoplastic Syndromes, Hereditary. Identifiers: Orphanet 140162, MedGen C0027672, MeSH D009386, MONDO:0015356.

Submissions (2):

Labcorp Genetics (formerly Invitae), Labcorp
Classification: Uncertain significance. Last evaluated: 2025-12-02. Review status: criteria provided, single submitter. Criteria: Invitae Variant Classification Sherloc (09022015). Collection method: clinical testing. Allele origin: germline.
Comment: This sequence change replaces arginine, which is basic and polar, with leucine, which is neutral and non-polar, at codon 259 of the POLE protein (p.Arg259Leu). This variant is not present in population databases (gnomAD no frequency). This variant has not been reported in the literature in individuals affected with POLE-related conditions. ClinVar contains an entry for this variant (Variation ID: 645422). Invitae Evidence Modeling of protein sequence and biophysical properties (such as structural, functional, and spatial information, amino acid conservation, physicochemical variation, residue mobility, and thermodynamic stability) indicates that this missense variant is not expected to disrupt POLE protein function with a negative predictive value of 80%. In summary, the available evidence is currently insufficient to determine the role of this variant in disease. Therefore, it has been classified as a Variant of Uncertain Significance.

Ambry Genetics
Classification: Uncertain significance for Hereditary cancer-predisposing syndrome. Last evaluated: 2025-06-18. Review status: criteria provided, single submitter. Criteria: Ambry Variant Classification Scheme 2023. Collection method: clinical testing. Allele origin: germline.
Comment: The p.R259L variant (also known as c.776G>T), located in coding exon 8 of the POLE gene, results from a G to T substitution at nucleotide position 776. The arginine at codon 259 is replaced by leucine, an amino acid with dissimilar properties. This amino acid position is highly conserved in available vertebrate species. In addition, the in silico prediction for this alteration is inconclusive. Based on the available evidence, the clinical significance of this variant remains unclear.

NM_006231.4(POLE):c.776G>T (p.Arg259Leu)

Gene: POLE (DNA polymerase epsilon, catalytic subunit; minus strand). Cytogenetic location: 12q24.33.
Variant type: single nucleotide variant.
Coding change: c.776G>T on transcript NM_006231.4 (MANE Select); coding-DNA position 776, G replaced by T.
Protein change: p.Arg259Leu; replaces arginine 259 with leucine.
Molecular consequence: missense variant.
Genome position (GRCh38, 1-based): chr12:132,677,388, C>A on the plus strand (G>T on the coding strand, the complement: POLE is on the minus strand). VCF-style: chr12-132677388-C-A. GRCh37 (hg19) VCF-style: chr12-133253974-C-A.
Other names: c.776G>T (NM_006231.2); short protein forms R259L.
Identifiers: ClinVar variation 645422 (VCV000645422.9), dbSNP rs61732929, ClinGen allele CA387364447.
Genomic context (GRCh38, chr12:132,677,388, plus strand): 5'-AATTTTAGGATGAAGGTAACACAAGCAAAACTTACAGGTCGTTCAACAAGGTCATCTCGG[C>A]GGGTGATTTCTACCGGAAAAGCATTTCCTCGGTATCTGACATTGTACCAATGAGCCTGCA-3'
Protein context (NP_006222.2, residues 249-269): RGNAFPVEIT[Arg259Leu]RDDLVERPDP